The following is an entry in ClinVar:

NM_013308.4(GPR171):c.879C>T (p.Arg293=)

Genes: GPR171 (G protein-coupled receptor 171; minus strand), MED12L (mediator complex subunit 12L; plus strand). Cytogenetic location: 3q25.1.
Variant type: single nucleotide variant.
Coding change: c.879C>T on transcript NM_013308.4 (MANE Select); coding-DNA position 879, C replaced by T.
Protein change: p.Arg293=; no amino-acid change (arginine 293 retained).
Molecular consequence: synonymous variant. On other transcripts: intron variant (2).
Genome position (GRCh38, 1-based): chr3:151,198,508, G>A on the plus strand (C>T on the coding strand, the complement: GPR171 is on the minus strand). VCF-style: chr3-151198508-G-A. GRCh37 (hg19) VCF-style: chr3-150916295-G-A.
Other names: c.2250+4842G>A (NM_001393769.1); c.2145+4842G>A (NM_053002.6).
Identifiers: ClinVar variation 2654229 (VCV002654229.24), dbSNP rs2531199120, ClinGen allele CA436273024.

ClinVar aggregate classification (germline): Likely benign (1 of 4 stars; one submission).

Submission:

CeGaT Center for Human Genetics Tuebingen
Classification: Likely benign. Last evaluated: 2022-10-01. Review status: criteria provided, single submitter. Criteria: CeGaT Center For Human Genetics Tuebingen Variant Classification Criteria Version 2. Collection method: clinical testing. Allele origin: germline. Affected: yes. Observed: 1 variant allele.
Comment: GPR171: PM2:Supporting, BP4, BP7